The following is an entry in ClinVar:

NM_005159.5(ACTC1):c.727G>C (p.Glu243Gln)

Genes: ACTC1 (actin alpha cardiac muscle 1; minus strand), GJD2-DT (GJD2 divergent transcript; plus strand). Cytogenetic location: 15q14.
Variant type: single nucleotide variant.
Coding change: c.727G>C on transcript NM_005159.5 (MANE Select); coding-DNA position 727, G replaced by C.
Protein change: p.Glu243Gln; replaces glutamic acid 243 with glutamine.
Molecular consequence: missense variant.
Genome position (GRCh38, 1-based): chr15:34,792,171, C>G on the plus strand (G>C on the coding strand, the complement: ACTC1 is on the minus strand). VCF-style: chr15-34792171-C-G. GRCh37 (hg19) VCF-style: chr15-35084372-C-G.
Other names: short protein forms E243Q.
Identifiers: ClinVar variation 954779 (VCV000954779.9), dbSNP rs1891718487, ClinGen allele CA391630084.

ClinVar aggregate classification (germline): Uncertain significance (1 of 4 stars; one submission).

Conditions:
Hypertrophic cardiomyopathy 11. Also called: ACTC1-Related Familial Hypertrophic Cardiomyopathy. Identifiers: MedGen C2677506, MONDO:0012799, OMIM 612098.
Atrial septal defect 5 (ASD5). Identifiers: Orphanet 1478, MedGen C2748552, MONDO:0013011, OMIM 612794.
Dilated cardiomyopathy 1R (CMD1R). Identifiers: Orphanet 154, Orphanet 54260, MedGen C3150681, MONDO:0013261, OMIM 613424.

Submission:

Labcorp Genetics (formerly Invitae), Labcorp
Classification: Uncertain significance for Dilated cardiomyopathy 1R; Hypertrophic cardiomyopathy 11; Atrial septal defect 5. Last evaluated: 2023-08-06. Review status: criteria provided, single submitter. Criteria: Invitae Variant Classification Sherloc (09022015). Collection method: clinical testing. Allele origin: germline.
Comment: In summary, the available evidence is currently insufficient to determine the role of this variant in disease. Therefore, it has been classified as a Variant of Uncertain Significance. Advanced modeling of protein sequence and biophysical properties (such as structural, functional, and spatial information, amino acid conservation, physicochemical variation, residue mobility, and thermodynamic stability) performed at Invitae indicates that this missense variant is not expected to disrupt ACTC1 protein function. ClinVar contains an entry for this variant (Variation ID: 954779). This variant has not been reported in the literature in individuals affected with ACTC1-related conditions. This variant is not present in population databases (gnomAD no frequency). This sequence change replaces glutamic acid, which is acidic and polar, with glutamine, which is neutral and polar, at codon 243 of the ACTC1 protein (p.Glu243Gln).